The following is an entry in ClinVar:

NM_032271.3(TRAF7):c.612G>A (p.Glu204=)

Gene: TRAF7 (TNF receptor associated factor 7; plus strand). Cytogenetic location: 16p13.3.
Variant type: single nucleotide variant.
Coding change: c.612G>A on transcript NM_032271.3 (MANE Select); coding-DNA position 612, G replaced by A.
Protein change: p.Glu204=; no amino-acid change (glutamic acid 204 retained).
Molecular consequence: synonymous variant.
Genome position (GRCh38, 1-based): chr16:2,172,327, G>A. VCF-style: chr16-2172327-G-A. GRCh37 (hg19) VCF-style: chr16-2222328-G-A.
Identifiers: ClinVar variation 5038874 (VCV005038874.1).

ClinVar aggregate classification (germline): Likely benign (1 of 4 stars; one submission).

gnomAD v4.1: 176 of 1,612,364 alleles (0.011%); highest among the groups gnomAD compares: Admixed American, 0.29%; 1 homozygote.

Submission:

CeGaT Center for Human Genetics Tuebingen
Classification: Likely benign. Last evaluated: 2026-08-01. Review status: criteria provided, single submitter. Criteria: CeGaT Center For Human Genetics Tuebingen Variant Classification Criteria Version 2. Collection method: clinical testing. Allele origin: germline. Affected: yes. Observed: 1 variant allele.
Comment: TRAF7: BP4, BP7, BS1